The following is an entry in ClinVar:

ClinVar aggregate classification (germline): not provided (0 of 4 stars; one submission).

Allele frequency attached by ClinVar (database versions not stated): TOPMed 0.00003; 1000 Genomes Project 30x 0.00016; 1000 Genomes Project 0.00020; gnomAD 0.00044 and 0.00045.

Submission:

Human Evolutionary Genetics, Institut Pasteur
No classification provided. Review status: no classification provided. Collection method: not provided. Allele origin: germline.
ClinVar note: Converted during submission from untested to not provided.

NM_001276700.2(NLRP6):c.1878C>T (p.Tyr626=)

Gene: NLRP6 (NLR family pyrin domain containing 6; plus strand). Cytogenetic location: 11p15.5.
Variant type: single nucleotide variant.
Coding change: c.1878C>T on transcript NM_001276700.2 (MANE Select); coding-DNA position 1878, C replaced by T.
Protein change: p.Tyr626=; no amino-acid change (tyrosine 626 retained).
Molecular consequence: synonymous variant.
Genome position (GRCh38, 1-based): chr11:281,612, C>T. VCF-style: chr11-281612-C-T. GRCh37 (hg19) VCF-style: chr11-281612-C-T.
Other names: c.1878C>T, p.Tyr626= (NM_138329.2).
Identifiers: ClinVar variation 103232 (VCV000103232.2), dbSNP rs199475808, ClinGen allele CA230292.
Genomic context (GRCh38, chr11:281,612, plus strand): 5'-AGAGGAGGAGGAGGAGGGAGAGGAGCCCAACTACCCACTGGAGTTGCTGTACTGCCTGTA[C>T]GAGACGCAGGAGGACGCGTTTGTGCGCCAAGCCCTGTGCCGGTTCCCGGAGCTGGCGCTG-3'
Protein context (NP_001263629.1, residues 616-636): NYPLELLYCL[Tyr626=]ETQEDAFVRQ